The following is an entry in ClinVar:

NM_001008537.3(NEXMIF):c.2992C>T (p.Pro998Ser)

Gene: NEXMIF (neurite extension and migration factor; minus strand). Cytogenetic location: Xq13.3.
Variant type: single nucleotide variant.
Coding change: c.2992C>T on transcript NM_001008537.3 (MANE Select); coding-DNA position 2992, C replaced by T.
Protein change: p.Pro998Ser; replaces proline 998 with serine.
Molecular consequence: missense variant.
Genome position (GRCh38, 1-based): chrX:74,741,565, G>A on the plus strand (C>T on the coding strand, the complement: NEXMIF is on the minus strand). VCF-style: chrX-74741565-G-A. GRCh37 (hg19) VCF-style: chrX-73961400-G-A.
Other names: short protein forms P998S.
Identifiers: ClinVar variation 2828837 (VCV002828837.3), dbSNP rs2519913055, ClinGen allele CA413666963.

ClinVar aggregate classification (germline): Uncertain significance (1 of 4 stars; one submission).

Submission:

Labcorp Genetics (formerly Invitae), Labcorp
Classification: Uncertain significance. Last evaluated: 2025-06-14. Review status: criteria provided, single submitter. Criteria: Invitae Variant Classification Sherloc (09022015). Collection method: clinical testing. Allele origin: germline.
Comment: This sequence change replaces proline, which is neutral and non-polar, with serine, which is neutral and polar, at codon 998 of the NEXMIF protein (p.Pro998Ser). This variant is not present in population databases (gnomAD no frequency). This variant has not been reported in the literature in individuals affected with NEXMIF-related conditions. ClinVar contains an entry for this variant (Variation ID: 2828837). An algorithm developed to predict the effect of missense changes on protein structure and function outputs the following: PolyPhen-2: "Benign". The serine amino acid residue is found in multiple mammalian species, which suggests that this missense change does not adversely affect protein function. In summary, the available evidence is currently insufficient to determine the role of this variant in disease. Therefore, it has been classified as a Variant of Uncertain Significance.